The following is an entry in ClinVar:

ClinVar aggregate classification (germline): Uncertain significance (1 of 4 stars; one submission).

Conditions:
Centromeric instability of chromosomes 1,9 and 16 and immunodeficiency (ICF1). Also called: Immunodeficiency-centromeric instability-facial anomalies; CENTROMERIC INSTABILITY, IMMUNODEFICIENCY SYNDROME; IMMUNE DEFICIENCY, VARIABLE, WITH CENTROMERIC INSTABILITY OF CHROMOSOMES 1, 9, AND 16; IMMUNODEFICIENCY SYNDROME, VARIABLE. Identifiers: Orphanet 2268, MedGen C0398788, MONDO:0000133.

Allele frequency attached by ClinVar (database versions not stated): TOPMed below 0.00001; gnomAD 0.00001.
gnomAD v4.1: 6 of 1,613,996 alleles (0.00037%); highest among the groups gnomAD compares: African/African-American, 0.0013%; no homozygotes.

Submission:

Labcorp Genetics (formerly Invitae), Labcorp
Classification: Uncertain significance for Centromeric instability of chromosomes 1,9 and 16 and immunodeficiency. Last evaluated: 2022-10-08. Review status: criteria provided, single submitter. Criteria: Invitae Variant Classification Sherloc (09022015). Collection method: clinical testing. Allele origin: germline.
Comment: This sequence change replaces arginine, which is basic and polar, with tryptophan, which is neutral and slightly polar, at codon 259 of the DNMT3B protein (p.Arg259Trp). This variant is present in population databases (no rsID available, gnomAD 0.01%). This variant has not been reported in the literature in individuals affected with DNMT3B-related conditions. Advanced modeling of protein sequence and biophysical properties (such as structural, functional, and spatial information, amino acid conservation, physicochemical variation, residue mobility, and thermodynamic stability) performed at Invitae indicates that this missense variant is expected to disrupt DNMT3B protein function. In summary, the available evidence is currently insufficient to determine the role of this variant in disease. Therefore, it has been classified as a Variant of Uncertain Significance.

NM_006892.4(DNMT3B):c.775C>T (p.Arg259Trp)

Gene: DNMT3B (DNA methyltransferase 3 beta; plus strand). Cytogenetic location: 20q11.21.
Variant type: single nucleotide variant.
Coding change: c.775C>T on transcript NM_006892.4 (MANE Select); coding-DNA position 775, C replaced by T.
Protein change: p.Arg259Trp; replaces arginine 259 with tryptophan.
Molecular consequence: missense variant.
Genome position (GRCh38, 1-based): chr20:32,788,974, C>T. VCF-style: chr20-32788974-C-T. GRCh37 (hg19) VCF-style: chr20-31376780-C-T.
Other names: c.649C>T, p.Arg217Trp (NM_001207055.2); c.547C>T, p.Arg183Trp (NM_001207056.2); c.775C>T, p.Arg259Trp (NM_175848.2, NM_175849.2); c.811C>T, p.Arg271Trp (NM_175850.3); short protein forms R259W, R183W, R217W, R271W.
Identifiers: ClinVar variation 1901779 (VCV001901779.2), dbSNP rs1422196524, ClinGen allele CA408588211.
Genomic context (GRCh38, chr20:32,788,974, plus strand): 5'-TGGCCCGCCATGGTGGTGTCTTGGAAGGCCACCTCCAAGCGACAGGCTATGTCTGGCATG[C>T]GGTGGGTCCAGTGGTTTGGCGATGGCAAGTTCTCCGAGGTGAGTCCGGGGAAGGGCAAGG-3'
Protein context (NP_008823.1, residues 249-269): TSKRQAMSGM[Arg259Trp]WVQWFGDGKF